The following is an entry in ClinVar:

NM_003000.3(SDHB):c.540+10C>T

Gene: SDHB (succinate dehydrogenase complex iron sulfur subunit B; minus strand). Cytogenetic location: 1p36.13.
Variant type: single nucleotide variant.
Coding change: c.540+10C>T on transcript NM_003000.3 (MANE Select); 10 bases into the intron after coding-DNA position 540, C replaced by T.
Molecular consequence: intron variant.
Genome position (GRCh38, 1-based): chr1:17,027,739, G>A on the plus strand (C>T on the coding strand, the complement: SDHB is on the minus strand). VCF-style: chr1-17027739-G-A. GRCh37 (hg19) VCF-style: chr1-17354234-G-A.
Other names: c.486+10C>T (NM_001407361.1).
Identifiers: ClinVar variation 3904601 (VCV003904601.1).

ClinVar aggregate classification (germline): Likely benign (1 of 4 stars; one submission).

Conditions:
Pheochromocytoma/paraganglioma syndrome 4. Also called: CAROTID BODY TUMORS AND MULTIPLE EXTRAADRENAL PHEOCHROMOCYTOMAS; PARAGANGLIOMA, FAMILIAL MALIGNANT; PARAGANGLIOMAS, HEREDITARY EXTRAADRENAL; PHEOCHROMOCYTOMA, FAMILIAL EXTRAADRENAL; Paragangliomas 4; SDHB-Related Hereditary Paraganglioma-Pheochromocytoma Syndrome (Paragangliomas 4). Identifiers: Orphanet 29072, MedGen C1861848, MONDO:0007273, OMIM 115310.

Submission:

Myriad Genetics, Inc.
Classification: Likely benign for Pheochromocytoma/paraganglioma syndrome 4. Last evaluated: 2025-03-13. Review status: criteria provided, single submitter. Criteria: Myriad Autosomal Dominant, Autosomal Recessive and X-Linked Classification Criteria (2023). Collection method: clinical testing. Allele origin: unknown.
Comment: This variant is considered likely benign. This variant is intronic and is not expected to impact mRNA splicing.